The following is an entry in ClinVar:

NM_001852.4(COL9A2):c.304G>C (p.Gly102Arg)

Gene: COL9A2 (collagen type IX alpha 2 chain; minus strand). Cytogenetic location: 1p34.2.
Variant type: single nucleotide variant.
Coding change: c.304G>C on transcript NM_001852.4 (MANE Select); coding-DNA position 304, G replaced by C.
Protein change: p.Gly102Arg; replaces glycine 102 with arginine.
Molecular consequence: missense variant.
Genome position (GRCh38, 1-based): chr1:40,312,609, C>G on the plus strand (G>C on the coding strand, the complement: COL9A2 is on the minus strand). VCF-style: chr1-40312609-C-G. GRCh37 (hg19) VCF-style: chr1-40778281-C-G.
Other names: short protein forms G102R.
Identifiers: ClinVar variation 1714066 (VCV001714066.5), dbSNP rs776441743, ClinGen allele CA339857272.

ClinVar aggregate classification (germline): Uncertain significance (1 of 4 stars; one submission).

Allele frequency attached by ClinVar (database versions not stated): TOPMed 0.00001.
gnomAD v4.1: 2 of 1,614,008 alleles (0.00012%); highest among the groups gnomAD compares: Admixed American, 0.0033%; no homozygotes.

Submission:

Labcorp Genetics (formerly Invitae), Labcorp
Classification: Uncertain significance. Last evaluated: 2025-05-27. Review status: criteria provided, single submitter. Criteria: Invitae Variant Classification Sherloc (09022015). Collection method: clinical testing. Allele origin: germline.
Comment: This sequence change replaces glycine, which is neutral and non-polar, with arginine, which is basic and polar, at codon 102 of the COL9A2 protein (p.Gly102Arg). This variant is present in population databases (no rsID available, gnomAD 0.006%). This variant has not been reported in the literature in individuals affected with COL9A2-related conditions. ClinVar contains an entry for this variant (Variation ID: 1714066). Experimental studies and prediction algorithms are not available or were not evaluated, and the functional significance of this variant is currently unknown. In summary, the available evidence is currently insufficient to determine the role of this variant in disease. Therefore, it has been classified as a Variant of Uncertain Significance.